The following is an entry in ClinVar:

NM_054027.6(ANKH):c.1142-12T>G

Genes: ANKH (ANKH inorganic pyrophosphate transport regulator; minus strand), OTULIN (OTU deubiquitinase with linear linkage specificity; plus strand), LOC100130744 (uncharacterized LOC100130744; plus strand). Cytogenetic location: 5p15.2.
Variant type: single nucleotide variant.
Coding change: c.1142-12T>G on transcript NM_054027.6 (MANE Select); 12 bases into the intron before coding-DNA position 1142, T replaced by G.
Molecular consequence: intron variant. On other transcripts: non-coding transcript variant (1).
Genome position (GRCh38, 1-based): chr5:14,713,679, A>C on the plus strand (T>G on the coding strand, the complement: ANKH is on the minus strand). VCF-style: chr5-14713679-A-C. GRCh37 (hg19) VCF-style: chr5-14713788-A-C.
Identifiers: ClinVar variation 2988008 (VCV002988008.4), dbSNP rs1407969814, ClinGen allele CA805270707.
Genomic context (GRCh38, chr5:14,713,679, plus strand): 5'-GTTTTCTTCAGTGTCATCAGCCACCCGGTGAGATGCGCCCTCACTGTGACTGTTGGGAGG[A>C]GCAAAGGACTCGTCAGCCGTGCCCGCCATCCACTCCCCATCCTGCTGCCTCTGGACCAGG-3'

ClinVar aggregate classification (germline): Conflicting classifications of pathogenicity. Review status: criteria provided, conflicting classifications (1 of 4 stars). 2 submissions from 2 submitters: Uncertain significance (1); Likely benign (1). Last evaluated 2024-06-07.

Allele frequency attached by ClinVar (database versions not stated): TOPMed 0.00002.

Submissions (2):

GeneDx
Classification: Uncertain significance. Last evaluated: 2024-06-07. Review status: criteria provided, single submitter. Criteria: GeneDx Variant Classification Process June 2021. Collection method: clinical testing. Allele origin: germline. Affected: yes.
Comment: Not observed at significant frequency in large population cohorts (gnomAD); In silico analysis indicates that this variant does not alter splicing; Has not been previously published as pathogenic or benign to our knowledge

Labcorp Genetics (formerly Invitae), Labcorp
Classification: Likely benign. Last evaluated: 2023-10-18. Review status: criteria provided, single submitter. Criteria: Invitae Variant Classification Sherloc (09022015). Collection method: clinical testing. Allele origin: germline.